The following is an entry in ClinVar:

ClinVar aggregate classification (germline): Uncertain significance (1 of 4 stars; one submission).

Submission:

Labcorp Genetics (formerly Invitae), Labcorp
Classification: Uncertain significance. Last evaluated: 2022-10-14. Review status: criteria provided, single submitter. Criteria: Invitae Variant Classification Sherloc (09022015). Collection method: clinical testing. Allele origin: germline.
Comment: ClinVar contains an entry for this variant (Variation ID: 1476525). Advanced modeling of protein sequence and biophysical properties (such as structural, functional, and spatial information, amino acid conservation, physicochemical variation, residue mobility, and thermodynamic stability) performed at Invitae indicates that this missense variant is not expected to disrupt CTNNA1 protein function. In summary, the available evidence is currently insufficient to determine the role of this variant in disease. Therefore, it has been classified as a Variant of Uncertain Significance. This sequence change replaces glycine, which is neutral and non-polar, with arginine, which is basic and polar, at codon 276 of the CTNNA1 protein (p.Gly276Arg). This variant is not present in population databases (gnomAD no frequency). This variant has not been reported in the literature in individuals affected with CTNNA1-related conditions.

NM_001903.5(CTNNA1):c.826G>A (p.Gly276Arg)

Gene: CTNNA1 (catenin alpha 1; plus strand). Cytogenetic location: 5q31.2.
Variant type: single nucleotide variant.
Coding change: c.826G>A on transcript NM_001903.5 (MANE Select); coding-DNA position 826, G replaced by A.
Protein change: p.Gly276Arg; replaces glycine 276 with arginine.
Molecular consequence: missense variant.
Genome position (GRCh38, 1-based): chr5:138,824,767, G>A. VCF-style: chr5-138824767-G-A. GRCh37 (hg19) VCF-style: chr5-138160456-G-A.
Other names: c.826G>A, p.Gly276Arg (NM_001290307.3, NM_001323982.2, NM_001323983.1 and 3 more transcripts); c.517G>A, p.Gly173Arg (NM_001290309.3); c.457G>A, p.Gly153Arg (NM_001290310.3); short protein forms G153R, G276R, G173R.
Identifiers: ClinVar variation 1476525 (VCV001476525.8), dbSNP rs2149776669, ClinGen allele CA361130199.